The following is an entry in ClinVar:

ClinVar aggregate classification (germline): Uncertain significance (1 of 4 stars; one submission).

Conditions:
Cardiovascular phenotype. Identifiers: MedGen CN230736.

Submission:

Ambry Genetics
Classification: Uncertain significance for Cardiovascular phenotype. Last evaluated: 2025-03-31. Review status: criteria provided, single submitter. Criteria: Ambry Variant Classification Scheme 2023. Collection method: clinical testing. Allele origin: germline.
Comment: The p.K2422R variant (also known as c.7265A>G), located in coding exon 31 of the AKAP9 gene, results from an A to G substitution at nucleotide position 7265. The lysine at codon 2422 is replaced by arginine, an amino acid with highly similar properties. This amino acid position is not well conserved in available vertebrate species, and arginine is the reference amino acid in other vertebrate species. In addition, this alteration is predicted to be tolerated by in silico analysis. Since supporting evidence is limited at this time, the clinical significance of this alteration remains unclear.

NM_005751.5(AKAP9):c.7265A>G (p.Lys2422Arg)

Gene: AKAP9 (A-kinase anchoring protein 9; plus strand). Cytogenetic location: 7q21.2.
Variant type: single nucleotide variant.
Coding change: c.7265A>G on transcript NM_005751.5 (MANE Select); coding-DNA position 7265, A replaced by G.
Protein change: p.Lys2422Arg; replaces lysine 2422 with arginine.
Molecular consequence: missense variant.
Genome position (GRCh38, 1-based): chr7:92,079,398, A>G. VCF-style: chr7-92079398-A-G. GRCh37 (hg19) VCF-style: chr7-91708712-A-G.
Other names: c.1910A>G, p.Lys637Arg (NM_001379277.1); c.7241A>G, p.Lys2414Arg (NM_147185.3); short protein forms K2414R, K2422R, K637R.
Identifiers: ClinVar variation 1757978 (VCV001757978.3), dbSNP rs2535245052, ClinGen allele CA368135346.